The following is an entry in ClinVar:

NM_001384900.1(SEMA3D):c.1102G>A (p.Val368Ile)

Gene: SEMA3D (semaphorin 3D; minus strand). Cytogenetic location: 7q21.11.
Variant type: single nucleotide variant.
Coding change: c.1102G>A on transcript NM_001384900.1 (MANE Select); coding-DNA position 1102, G replaced by A.
Protein change: p.Val368Ile; replaces valine 368 with isoleucine.
Molecular consequence: missense variant.
Genome position (GRCh38, 1-based): chr7:85,036,978, C>T on the plus strand (G>A on the coding strand, the complement: SEMA3D is on the minus strand). VCF-style: chr7-85036978-C-T. GRCh37 (hg19) VCF-style: chr7-84666294-C-T.
Other names: c.1102G>A, p.Val368Ile (NM_001384901.1, NM_001384902.1, NM_001384903.1 and 1 more transcripts); short protein forms V368I.
Identifiers: ClinVar variation 3053469 (VCV003053469.2), dbSNP rs2535206150, ClinGen allele CA368026334.
Genomic context (GRCh38, chr7:85,036,978, plus strand): 5'-CATCATACTGCACCCAACGATGGTCTGCACTTTCCTTATGAGCATATGGACCATTAAAAA[C>T]TGCTCTGATGTCAGCCATGCTATACACACAAACAGCAGAGCCTTTGAAGATGGAGCTGGA-3'
Protein context (NP_001371829.1, residues 358-378): CVYSMADIRA[Val368Ile]FNGPYAHKES

ClinVar aggregate classification (germline): Uncertain significance (0 of 4 stars; one submission).

Conditions:
SEMA3D-related disorder. Also called: SEMA3D-related condition.

Submission:

PreventionGenetics, part of Exact Sciences
Classification: Uncertain significance for SEMA3D-related condition. Last evaluated: 2024-01-18. Review status: no assertion criteria provided. Collection method: clinical testing. Allele origin: germline.
Comment: The SEMA3D c.1102G>A variant is predicted to result in the amino acid substitution p.Val368Ile. To our knowledge, this variant has not been reported in the literature or in a large population database, indicating this variant is rare. At this time, the clinical significance of this variant is uncertain due to the absence of conclusive functional and genetic evidence.